The following is an entry in ClinVar:

ClinVar aggregate classification (germline): Uncertain significance (1 of 4 stars; one submission).

Conditions:
Primary ciliary dyskinesia 23 (CILD23). Also called: CILIARY DYSKINESIA, PRIMARY, 23, WITH OR WITHOUT SITUS INVERSUS. Identifiers: Orphanet 244, MedGen C3809548, MONDO:0014193, OMIM 615451.

gnomAD v4.1: 14 of 1,613,936 alleles (0.00087%); highest among the groups gnomAD compares: Non-Finnish European, 0.0012%; no homozygotes.

Submission:

Labcorp Genetics (formerly Invitae), Labcorp
Classification: Uncertain significance for Primary ciliary dyskinesia 23. Last evaluated: 2024-10-27. Review status: criteria provided, single submitter. Criteria: Invitae Variant Classification Sherloc (09022015). Collection method: clinical testing. Allele origin: germline.
Comment: This sequence change replaces glutamic acid, which is acidic and polar, with aspartic acid, which is acidic and polar, at codon 829 of the ARMC4 protein (p.Glu829Asp). This variant is not present in population databases (gnomAD no frequency). This variant has not been reported in the literature in individuals affected with ARMC4-related conditions. An algorithm developed to predict the effect of missense changes on protein structure and function (PolyPhen-2) suggests that this variant is likely to be tolerated. In summary, the available evidence is currently insufficient to determine the role of this variant in disease. Therefore, it has been classified as a Variant of Uncertain Significance.

NM_018076.5(ODAD2):c.2487A>C (p.Glu829Asp)

Gene: ODAD2 (outer dynein arm docking complex subunit 2; minus strand). Cytogenetic location: 10p12.1.
Variant type: single nucleotide variant.
Coding change: c.2487A>C on transcript NM_018076.5 (MANE Select); coding-DNA position 2487, A replaced by C.
Protein change: p.Glu829Asp; replaces glutamic acid 829 with aspartic acid.
Molecular consequence: missense variant.
Genome position (GRCh38, 1-based): chr10:27,935,018, T>G on the plus strand (A>C on the coding strand, the complement: ODAD2 is on the minus strand). VCF-style: chr10-27935018-T-G. GRCh37 (hg19) VCF-style: chr10-28223947-T-G.
Other names: c.2487A>C, p.Glu829Asp (NM_001290020.2); c.1062A>C, p.Glu354Asp (NM_001290021.2); c.1563A>C, p.Glu521Asp (NM_001312689.2); short protein forms E354D, E829D, E521D.
Identifiers: ClinVar variation 3719627 (VCV003719627.2).
Genomic context (GRCh38, chr10:27,935,018, plus strand): 5'-AGTGTTCTCCCTAACACTTATATAAAATCTTTCCATCTCCAGGGCCACTTACATCATACT[T>G]TCAGGTTCTACTGCACAAGCACCAACTGCTTTTGTAACATTCACAAGAAGAGCTTGGTTT-3'
Protein context (NP_060546.2, residues 819-839): KAVGACAVEP[Glu829Asp]SMMIIDRLDG